The following is an entry in ClinVar:

NM_024642.5(GALNT12):c.1574C>T (p.Ala525Val)

Gene: GALNT12 (polypeptide N-acetylgalactosaminyltransferase 12; plus strand). Cytogenetic location: 9q22.33.
Variant type: single nucleotide variant.
Coding change: c.1574C>T on transcript NM_024642.5 (MANE Select); coding-DNA position 1574, C replaced by T.
Protein change: p.Ala525Val; replaces alanine 525 with valine.
Molecular consequence: missense variant.
Genome position (GRCh38, 1-based): chr9:98,846,092, C>T. VCF-style: chr9-98846092-C-T. GRCh37 (hg19) VCF-style: chr9-101608374-C-T.
Other names: short protein forms A525V.
Identifiers: ClinVar variation 4027978 (VCV004027978.1).

ClinVar aggregate classification (germline): Uncertain significance (1 of 4 stars; one submission).

gnomAD v4.1: 1 of 1,614,044 alleles (0.000062%); highest among the groups gnomAD compares: Non-Finnish European, 0.000085%; no homozygotes.

Submission:

Ambry Genetics
Classification: Uncertain significance. Last evaluated: 2025-04-19. Review status: criteria provided, single submitter. Criteria: Ambry Variant Classification Scheme 2023. Collection method: clinical testing. Allele origin: germline.
Comment: The p.A525V variant (also known as c.1574C>T), located in coding exon 9 of the GALNT12 gene, results from a C to T substitution at nucleotide position 1574. The alanine at codon 525 is replaced by valine, an amino acid with similar properties. This amino acid position is conserved. In addition, this alteration is predicted to be tolerated by in silico analysis. Based on the available evidence, the clinical significance of this variant remains unclear.